The following is an entry in ClinVar:

ClinVar aggregate classification (germline): Uncertain significance (1 of 4 stars; one submission).

Conditions:
Brody myopathy. Also called: BRODY DISEASE. Identifiers: Orphanet 53347, MedGen C1832918, MONDO:0010977, OMIM 601003.

Submission:

Labcorp Genetics (formerly Invitae), Labcorp
Classification: Uncertain significance for Brody myopathy. Last evaluated: 2022-06-10. Review status: criteria provided, single submitter. Criteria: Invitae Variant Classification Sherloc (09022015). Collection method: clinical testing. Allele origin: germline.
Comment: In summary, the available evidence is currently insufficient to determine the role of this variant in disease. Therefore, it has been classified as a Variant of Uncertain Significance. Algorithms developed to predict the effect of missense changes on protein structure and function are either unavailable or do not agree on the potential impact of this missense change (SIFT: "Tolerated"; PolyPhen-2: "Possibly Damaging"; Align-GVGD: "Class C0"). This variant has not been reported in the literature in individuals affected with ATP2A1-related conditions. This variant is not present in population databases (gnomAD no frequency). This sequence change replaces leucine, which is neutral and non-polar, with phenylalanine, which is neutral and non-polar, at codon 166 of the ATP2A1 protein (p.Leu166Phe).

NM_004320.6(ATP2A1):c.496C>T (p.Leu166Phe)

Gene: ATP2A1 (ATPase sarcoplasmic/endoplasmic reticulum Ca2+ transporting 1; plus strand). Cytogenetic location: 16p11.2.
Variant type: single nucleotide variant.
Coding change: c.496C>T on transcript NM_004320.6 (MANE Select); coding-DNA position 496, C replaced by T.
Protein change: p.Leu166Phe; replaces leucine 166 with phenylalanine.
Molecular consequence: missense variant.
Genome position (GRCh38, 1-based): chr16:28,884,607, C>T. VCF-style: chr16-28884607-C-T. GRCh37 (hg19) VCF-style: chr16-28895928-C-T.
Other names: c.496C>T, p.Leu166Phe (NM_173201.5); c.121C>T, p.Leu41Phe (NM_001286075.2); short protein forms L166F, L41F.
Identifiers: ClinVar variation 2004388 (VCV002004388.4), dbSNP rs969546606, ClinGen allele CA279228857.